The following is an entry in ClinVar:

NM_001001331.4(ATP2B2):c.1677C>T (p.Gly559=)

Gene: ATP2B2 (ATPase plasma membrane Ca2+ transporting 2; minus strand). Cytogenetic location: 3p25.3.
Variant type: single nucleotide variant.
Coding change: c.1677C>T on transcript NM_001001331.4 (MANE Select); coding-DNA position 1677, C replaced by T.
Protein change: p.Gly559=; no amino-acid change (glycine 559 retained).
Molecular consequence: synonymous variant.
Genome position (GRCh38, 1-based): chr3:10,360,106, G>A on the plus strand (C>T on the coding strand, the complement: ATP2B2 is on the minus strand). VCF-style: chr3-10360106-G-A. GRCh37 (hg19) VCF-style: chr3-10401790-G-A.
Other names: c.1542C>T, p.Gly514= (NM_001330611.3, NM_001353564.1, NM_001363862.1 and 2 more transcripts); c.1584C>T, p.Gly528= (NM_001438646.1).
Identifiers: ClinVar variation 4987348 (VCV004987348.1).
Genomic context (GRCh38, chr3:10,360,106, plus strand): 5'-GTCCAGCACGAAGCCCAGCAGGCCGCACTCCGTCTTGTTGCCCACCTGCCGAGGCAGGGC[G>A]CCCTCCTTCTCTGGGGGCTGCAGAGAGAGGAAGGAGCGGCTGGCACCTGGTGGGGCCTGT-3'
Protein context (NP_001001331.1, residues 549-569): TTKILPPEKE[Gly559=]ALPRQVGNKT

ClinVar aggregate classification (germline): Likely benign (1 of 4 stars; one submission).

Conditions:
ATP2B2-related disorder. Also called: ATP2B2-related condition.

gnomAD v4.1: 30 of 1,599,354 alleles (0.0019%); highest among the groups gnomAD compares: Middle Eastern, 0.017%; no homozygotes.

Submission:

PreventionGenetics, part of Exact Sciences
Classification: Likely benign for ATP2B2-related condition. Last evaluated: 2026-02-16. Review status: criteria provided, single submitter. Criteria: ACMG Guidelines, 2015. Collection method: clinical testing. Allele origin: germline.
Comment: This variant is classified as likely benign based on ACMG/AMP sequence variant interpretation guidelines (Richards et al. 2015 PMID: 25741868, with internal and published modifications).